The following is an entry in ClinVar:

NM_000038.6(APC):c.7006A>G (p.Ile2336Val)

Gene: APC (APC regulator of Wnt signaling pathway; plus strand). Cytogenetic location: 5q22.2.
Variant type: single nucleotide variant.
Coding change: c.7006A>G on transcript NM_000038.6 (MANE Select); coding-DNA position 7006, A replaced by G.
Protein change: p.Ile2336Val; replaces isoleucine 2336 with valine.
Molecular consequence: missense variant.
Genome position (GRCh38, 1-based): chr5:112,842,600, A>G. VCF-style: chr5-112842600-A-G. GRCh37 (hg19) VCF-style: chr5-112178297-A-G.
Other names: c.7006A>G, p.Ile2336Val (NM_001127510.3, NM_001354895.2); c.6952A>G, p.Ile2318Val (NM_001127511.3); c.7060A>G, p.Ile2354Val (NM_001354896.2); c.7036A>G, p.Ile2346Val (NM_001354897.2); c.6931A>G, p.Ile2311Val (NM_001354898.2); c.6922A>G, p.Ile2308Val (NM_001354899.2); c.6883A>G, p.Ile2295Val (NM_001354900.2); c.6829A>G, p.Ile2277Val (NM_001354901.2); and 5 more; short protein forms I2336V, I2318V, I2295V, I2053V, I2235V, I2245V, I2277V, I2308V.
Identifiers: ClinVar variation 537466 (VCV000537466.16), dbSNP rs1554087900, ClinGen allele CA16036603.

ClinVar aggregate classification (germline): Uncertain significance. Review status: criteria provided, multiple submitters, no conflicts (2 of 4 stars). 5 submissions from 5 submitters: Uncertain significance (5). Last evaluated 2025-06-08.

Conditions:
Hereditary cancer-predisposing syndrome. Also called: Tumor predisposition; Hereditary Cancer Syndrome; Hereditary neoplastic syndrome; Neoplastic Syndromes, Hereditary. Identifiers: Orphanet 140162, MedGen C0027672, MeSH D009386, MONDO:0015356.
Familial adenomatous polyposis 1 (FAP1). Also called: FAMILIAL ADENOMATOUS POLYPOSIS 1, ATTENUATED; POLYPOSIS, ADENOMATOUS INTESTINAL. Identifiers: MedGen C2713442, MONDO:0021056, OMIM 175100. Disease mechanism: loss of function.

Allele frequency attached by ClinVar (database versions not stated): gnomAD exomes below 0.00001.
gnomAD v4.1: 5 of 1,613,760 alleles (0.00031%); highest among the groups gnomAD compares: Admixed American, 0.0017%; no homozygotes.

Submissions (5):

Ambry Genetics
Classification: Uncertain significance for Hereditary cancer-predisposing syndrome. Last evaluated: 2025-06-08. Review status: criteria provided, single submitter. Criteria: Ambry Variant Classification Scheme 2023. Collection method: clinical testing. Allele origin: germline.
Comment: The p.I2336V variant (also known as c.7006A>G), located in coding exon 15 of the APC gene, results from an A to G substitution at nucleotide position 7006. The isoleucine at codon 2336 is replaced by valine, an amino acid with highly similar properties. This amino acid position is well conserved in available vertebrate species. In addition, in silico predictors for this gene do not accurately predict pathogenicity. Since supporting evidence is limited at this time, the clinical significance of this alteration remains unclear.

GeneDx
Classification: Uncertain significance. Last evaluated: 2025-06-04. Review status: criteria provided, single submitter. Criteria: GeneDx Variant Classification Process June 2021. Collection method: clinical testing. Allele origin: germline. Affected: yes.
Comment: Not observed at significant frequency in large population cohorts (gnomAD); In silico analysis suggests that this missense variant does not alter protein structure/function; Has not been previously published as pathogenic or benign to our knowledge; This variant is associated with the following publications: (PMID: 18199528)

Women's Health and Genetics/Laboratory Corporation of America, LabCorp
Classification: Uncertain significance. Last evaluated: 2024-10-09. Review status: criteria provided, single submitter. Criteria: LabCorp Variant Classification Summary - May 2015. Collection method: clinical testing. Allele origin: germline.
Comment: Variant summary: APC c.7006A>G (p.Ile2336Val) results in a conservative amino acid change located in the basic domain (IPR009234) of the encoded protein sequence. Four of five in-silico tools predict a benign effect of the variant on protein function. The variant allele was found at a frequency of 3.1e-06 in 1606786 control chromosomes in the gnomAD database (v4.1 dataset). The available data on variant occurrences in the general population are insufficient to allow any conclusion about variant significance. To our knowledge, no occurrence of c.7006A>G in individuals affected with Colorectal Cancer Risk and no experimental evidence demonstrating its impact on protein function have been reported. ClinVar contains an entry for this variant (Variation ID: 537466). Based on the evidence outlined above, the variant was classified as uncertain significance.

Labcorp Genetics (formerly Invitae), Labcorp
Classification: Uncertain significance for Familial adenomatous polyposis 1. Last evaluated: 2024-08-08. Review status: criteria provided, single submitter. Criteria: Invitae Variant Classification Sherloc (09022015). Collection method: clinical testing. Allele origin: germline.
Comment: This sequence change replaces isoleucine, which is neutral and non-polar, with valine, which is neutral and non-polar, at codon 2336 of the APC protein (p.Ile2336Val). This variant is not present in population databases (gnomAD no frequency). This variant has not been reported in the literature in individuals affected with APC-related conditions. ClinVar contains an entry for this variant (Variation ID: 537466). Advanced modeling of protein sequence and biophysical properties (such as structural, functional, and spatial information, amino acid conservation, physicochemical variation, residue mobility, and thermodynamic stability) performed at Invitae indicates that this missense variant is not expected to disrupt APC protein function with a negative predictive value of 95%. In summary, the available evidence is currently insufficient to determine the role of this variant in disease. Therefore, it has been classified as a Variant of Uncertain Significance.

Color Diagnostics, LLC DBA Color Health
Classification: Uncertain significance for Hereditary cancer-predisposing syndrome. Last evaluated: 2023-12-05. Review status: criteria provided, single submitter. Criteria: ACMG Guidelines, 2015. Collection method: clinical testing. Allele origin: germline.
Comment: This missense variant replaces isoleucine with valine at codon 2336 of the APC protein. Computational prediction suggests that this variant may not impact protein structure and function (internally defined REVEL score threshold <= 0.5, PMID: 27666373). To our knowledge, functional studies have not been reported for this variant. This variant has not been reported in individuals affected with APC-related disorders in the literature. This variant has not been identified in the general population by the Genome Aggregation Database (gnomAD). The available evidence is insufficient to determine the role of this variant in disease conclusively. Therefore, this variant is classified as a Variant of Uncertain Significance.